The following is an entry in ClinVar:

NM_006005.3(WFS1):c.1025C>T (p.Ala342Val)

Gene: WFS1 (wolframin ER transmembrane glycoprotein; plus strand). Cytogenetic location: 4p16.1.
Variant type: single nucleotide variant.
Coding change: c.1025C>T on transcript NM_006005.3 (MANE Select); coding-DNA position 1025, C replaced by T.
Protein change: p.Ala342Val; replaces alanine 342 with valine.
Molecular consequence: missense variant.
Genome position (GRCh38, 1-based): chr4:6,300,820, C>T. VCF-style: chr4-6300820-C-T. GRCh37 (hg19) VCF-style: chr4-6302547-C-T.
Other names: c.1025C>T, p.Ala342Val (NM_001145853.1); short protein forms A342V.
Identifiers: ClinVar variation 1356998 (VCV001356998.6), dbSNP rs1291964915, ClinGen allele CA356174097.

ClinVar aggregate classification (germline): Uncertain significance (1 of 4 stars; one submission).

Allele frequency attached by ClinVar (database versions not stated): gnomAD exomes below 0.00001.
gnomAD v4.1: 1 of 1,614,030 alleles (0.000062%); highest among the groups gnomAD compares: African/African-American, 0.0013%; no homozygotes.

Submission:

Labcorp Genetics (formerly Invitae), Labcorp
Classification: Uncertain significance. Last evaluated: 2025-01-06. Review status: criteria provided, single submitter. Criteria: Invitae Variant Classification Sherloc (09022015). Collection method: clinical testing. Allele origin: germline.
Comment: This sequence change replaces alanine, which is neutral and non-polar, with valine, which is neutral and non-polar, at codon 342 of the WFS1 protein (p.Ala342Val). This variant is not present in population databases (gnomAD no frequency). This variant has not been reported in the literature in individuals affected with WFS1-related conditions. ClinVar contains an entry for this variant (Variation ID: 1356998). Invitae Evidence Modeling of protein sequence and biophysical properties (such as structural, functional, and spatial information, amino acid conservation, physicochemical variation, residue mobility, and thermodynamic stability) indicates that this missense variant is not expected to disrupt WFS1 protein function with a negative predictive value of 95%. In summary, the available evidence is currently insufficient to determine the role of this variant in disease. Therefore, it has been classified as a Variant of Uncertain Significance.